The following is an entry in ClinVar:

NM_000548.5(TSC2):c.4989+107A>C

Gene: TSC2 (TSC complex subunit 2; plus strand). Cytogenetic location: 16p13.3.
Variant type: single nucleotide variant.
Coding change: c.4989+107A>C on transcript NM_000548.5 (MANE Select); 107 bases into the intron after coding-DNA position 4989, A replaced by C.
Molecular consequence: intron variant.
Genome position (GRCh38, 1-based): chr16:2,086,978, A>C. VCF-style: chr16-2086978-A-C. GRCh37 (hg19) VCF-style: chr16-2136979-A-C.
Other names: c.4920+107A>C (NM_001114382.3); c.4860+107A>C (NM_021055.3, NM_001370405.1); c.4791+107A>C (NM_001363528.2); c.4857+107A>C (NM_001370404.1); c.4788+107A>C (NM_001077183.3); c.4680+107A>C (NM_001318827.2); c.4257+107A>C (NM_001318831.2); c.4644+107A>C (NM_001318829.2); and 1 more.
Identifiers: ClinVar variation 676007 (VCV000676007.2), dbSNP rs114989209, ClinGen allele CA276757045.

ClinVar aggregate classification (germline): Benign. Review status: criteria provided, multiple submitters, no conflicts (2 of 4 stars). 2 submissions from 2 submitters: Benign (2). Last evaluated 2018-06-12.

Allele frequency attached by ClinVar (database versions not stated): gnomAD exomes 0.00197; gnomAD 0.01932; TOPMed 0.01965; 1000 Genomes Project 0.02636; 1000 Genomes Project 30x 0.02717.
gnomAD v4.1: 5,794 of 1,506,368 alleles (0.38%); highest among the groups gnomAD compares: African/African-American, 6.7%; 194 homozygotes.

Submissions (2):

GeneDx
Classification: Benign. Last evaluated: 2018-06-12. Review status: criteria provided, single submitter. Criteria: GeneDx Variant Classification (06012015). Collection method: clinical testing. Allele origin: germline. Affected: yes.
Comment: This variant is considered likely benign or benign based on one or more of the following criteria: it is a conservative change, it occurs at a poorly conserved position in the protein, it is predicted to be benign by multiple in silico algorithms, and/or has population frequency not consistent with disease.

Breakthrough Genomics
Classification: Benign. Review status: criteria provided, single submitter. Criteria: ACMG Guidelines, 2015. Collection method: not provided. Allele origin: germline. Inheritance: Autosomal dominant inheritance. Affected: yes.